The following is an entry in ClinVar:

NM_001430.5(EPAS1):c.2245C>T (p.Pro749Ser)

Gene: EPAS1 (endothelial PAS domain protein 1; plus strand). Cytogenetic location: 2p21.
Variant type: single nucleotide variant.
Coding change: c.2245C>T on transcript NM_001430.5 (MANE Select); coding-DNA position 2245, C replaced by T.
Protein change: p.Pro749Ser; replaces proline 749 with serine.
Molecular consequence: missense variant.
Genome position (GRCh38, 1-based): chr2:46,382,047, C>T. VCF-style: chr2-46382047-C-T. GRCh37 (hg19) VCF-style: chr2-46609186-C-T.
Other names: short protein forms P749S.
Identifiers: ClinVar variation 3221615 (VCV003221615.1), dbSNP rs2546480163, ClinGen allele CA346705851.
Genomic context (GRCh38, chr2:46,382,047, plus strand): 5'-GGTGGCAGCACCTCACATTTGATGTGGAAACGGATGAAGAACCTCAGGGGTGGGAGCTGC[C>T]CTTTGATGCCGGACAAGCCACTGAGCGCAAATGTACCCAATGGTGAGCAGCGGCCACAGG-3'
Protein context (NP_001421.2, residues 739-759): RMKNLRGGSC[Pro749Ser]LMPDKPLSAN

ClinVar aggregate classification (germline): Uncertain significance (1 of 4 stars; one submission).

Conditions:
Inborn genetic diseases. Identifiers: MedGen C0950123, MeSH D030342.

Allele frequency attached by ClinVar (database versions not stated): gnomAD exomes below 0.00001.
gnomAD v4.1: 2 of 1,613,936 alleles (0.00012%); highest among the groups gnomAD compares: Non-Finnish European, 0.00017%; no homozygotes.

Submission:

Ambry Genetics
Classification: Uncertain significance for Inborn genetic diseases. Last evaluated: 2024-03-09. Review status: criteria provided, single submitter. Criteria: Ambry Variant Classification Scheme 2023. Collection method: clinical testing. Allele origin: germline.
Comment: The p.P749S variant (also known as c.2245C>T), located in coding exon 14 of the EPAS1 gene, results from a C to T substitution at nucleotide position 2245. The proline at codon 749 is replaced by serine, an amino acid with similar properties. This amino acid position is conserved. In addition, this alteration is predicted to be tolerated by in silico analysis. Based on the available evidence, the clinical significance of this alteration remains unclear.